The following is an entry in ClinVar:

ClinVar aggregate classification (germline): Uncertain significance. Review status: criteria provided, multiple submitters, no conflicts (2 of 4 stars). 2 submissions from 2 submitters: Uncertain significance (2). Last evaluated 2025-08-18.

Conditions:
Hereditary cancer-predisposing syndrome. Also called: Neoplastic Syndromes, Hereditary; Tumor predisposition; Hereditary Cancer Syndrome; Hereditary neoplastic syndrome. Identifiers: Orphanet 140162, MedGen C0027672, MeSH D009386, MONDO:0015356.

Allele frequency attached by ClinVar (database versions not stated): gnomAD exomes below 0.00001; TOPMed 0.00001.

Submissions (2):

Ambry Genetics
Classification: Uncertain significance for Hereditary cancer-predisposing syndrome. Last evaluated: 2025-08-18. Review status: criteria provided, single submitter. Criteria: Ambry Variant Classification Scheme 2023. Collection method: clinical testing. Allele origin: germline.
Comment: The c.2298+2dupT intronic variant, results from a duplication of one nucleotide at nucleotide position 2298 after coding exon 15 of the CTNNA1 gene. This variant does not change the sequence of the canonical donor at this splice site. This nucleotide position is highly conserved in available vertebrate species. In silico splice site analysis predicts that this alteration will weaken the native splice donor site and will result in the creation or strengthening of a novel splice donor site; however, direct evidence is insufficient at this time (Ambry internal data). Based on the available evidence, the clinical significance of this variant remains unclear.

Labcorp Genetics (formerly Invitae), Labcorp
Classification: Uncertain significance. Last evaluated: 2025-07-19. Review status: criteria provided, single submitter. Criteria: Invitae Variant Classification Sherloc (09022015). Collection method: clinical testing. Allele origin: germline.
Comment: This sequence change falls in intron 16 of the CTNNA1 gene. It does not directly change the encoded amino acid sequence of the CTNNA1 protein. It affects a nucleotide within the consensus splice site. This variant is not present in population databases (gnomAD no frequency). This variant has not been reported in the literature in individuals affected with CTNNA1-related conditions. ClinVar contains an entry for this variant (Variation ID: 652488). Variants that disrupt the consensus splice site are a relatively common cause of aberrant splicing (PMID: 17576681, 9536098). RNA analysis performed to evaluate the impact of this variant on mRNA splicing indicates it does not significantly alter splicing (internal data). In summary, the available evidence is currently insufficient to determine the role of this variant in disease. Therefore, it has been classified as a Variant of Uncertain Significance.

Literature cited by the submitters: PubMed 17576681 (cited by Labcorp Genetics (formerly Invitae), Labcorp); PubMed 9536098 (cited by Labcorp Genetics (formerly Invitae), Labcorp).

NM_001903.5(CTNNA1):c.2298+2dup

Gene: CTNNA1 (catenin alpha 1; plus strand). Cytogenetic location: 5q31.2.
Variant type: Duplication.
Coding change: c.2298+2dup on transcript NM_001903.5 (MANE Select); the canonical splice donor site of the intron after coding-DNA position 2298, one base duplicated (T; older notation c.2298+2dupT).
Molecular consequence: splice donor variant.
Genome position (GRCh38, 1-based): chr5:138,930,937, T duplicated. VCF-style (leftmost placement, unchanged base first): chr5-138930936-G-GT. GRCh37 (hg19) VCF-style: chr5-138266625-G-GT.
Other names: c.2298+2dup (NM_001323982.2, NM_001323984.2, NM_001290307.3 and 2 more transcripts); c.2205+2dup (NM_001323986.2); c.1929+2dup (NM_001290310.3); c.1989+2dup (NM_001290309.3); c.1188+2dup (NM_001323996.1, NM_001323993.1, NM_001324005.1 and 17 more transcripts); c.849+2dup (NM_001324007.1, NM_001324009.1, NM_001324006.1 and 2 more transcripts); c.945+2dup (NM_001324013.1, NM_001324012.1); c.1095+2dup (NM_001324011.1); and 1 more.
Identifiers: ClinVar variation 652488 (VCV000652488.8), dbSNP rs1379426279, ClinGen allele CA804564552.